The following is an entry in ClinVar:

NM_018082.6(POLR3B):c.14C>T (p.Ala5Val)

Gene: POLR3B (RNA polymerase III subunit B; plus strand). Cytogenetic location: 12q23.3.
Variant type: single nucleotide variant.
Coding change: c.14C>T on transcript NM_018082.6 (MANE Select); coding-DNA position 14, C replaced by T.
Protein change: p.Ala5Val; replaces alanine 5 with valine.
Molecular consequence: missense variant.
Genome position (GRCh38, 1-based): chr12:106,357,893, C>T. VCF-style: chr12-106357893-C-T. GRCh37 (hg19) VCF-style: chr12-106751671-C-T.
Other names: short protein forms A5V.
Identifiers: ClinVar variation 722734 (VCV000722734.11), dbSNP rs144172154, ClinGen allele CA6761533.
Genomic context (GRCh38, chr12:106,357,893, plus strand): 5'-AGGCGGGCGCGGAGGTTCTATCTGTTTCTTCCTCCTTCGTGAGCAGCATGGACGTGCTAG[C>T]GGAGGAGTTTGGGAACCTGACTCCGGAGCAGCTGGCGGCGCCGATCCCGACTGTAGAGGT-3'
Protein context (NP_060552.4, residues 1-15): MDVL[Ala5Val]EEFGNLTPEQ

ClinVar aggregate classification (germline): Likely benign. Review status: criteria provided, multiple submitters, no conflicts (2 of 4 stars). 3 submissions from 3 submitters: Likely benign (2). 1 of the submissions does not count toward it. Last evaluated 2025-12-25.

Conditions:
POLR3B-related disorder. Also called: POLR3B-related condition; POLR3B-related disorders. Identifiers: MedGen CN378588, MONDO:0700277.

Allele frequency attached by ClinVar (database versions not stated): ExAC 0.00038; ESP Exome Variant Server 0.00085; gnomAD 0.00100 and 0.00112; TOPMed 0.00118; 1000 Genomes Project 30x 0.00172; 1000 Genomes Project 0.00180.
gnomAD v4.1: 322 of 1,613,642 alleles (0.02%); highest among the groups gnomAD compares: African/African-American, 0.37%; no homozygotes.

Submissions (3):

Labcorp Genetics (formerly Invitae), Labcorp
Classification: Likely benign. Last evaluated: 2025-12-25. Review status: criteria provided, single submitter. Criteria: Invitae Variant Classification Sherloc (09022015). Collection method: clinical testing. Allele origin: germline.

Blueprint Genetics
Classification: Likely benign. Last evaluated: 2023-07-19. Review status: criteria provided, single submitter. Criteria: ACMG Guidelines, 2015. Collection method: clinical testing. Allele origin: germline.

PreventionGenetics, part of Exact Sciences
Classification: Likely benign for POLR3B-related condition. Last evaluated: 2024-05-15. Review status: no assertion criteria provided. Collection method: clinical testing. Allele origin: germline. Not counted in ClinVar's aggregate classification.
Comment: This variant is classified as likely benign based on ACMG/AMP sequence variant interpretation guidelines (Richards et al. 2015 PMID: 25741868, with internal and published modifications).